The following is an entry in ClinVar:

ClinVar aggregate classification (germline): Pathogenic (1 of 4 stars; one submission).

Conditions:
Primary ciliary dyskinesia. Also called: Ciliary dyskinesia. Identifiers: Orphanet 244, MedGen C0008780, MONDO:0016575, HP:0012265.

Submission:

Labcorp Genetics (formerly Invitae), Labcorp
Classification: Pathogenic for Primary ciliary dyskinesia. Last evaluated: 2024-01-04. Review status: criteria provided, single submitter. Criteria: Invitae Variant Classification Sherloc (09022015). Collection method: clinical testing. Allele origin: germline.
Comment: This sequence change creates a premature translational stop signal (p.Lys3975*) in the DNAH5 gene. It is expected to result in an absent or disrupted protein product. Loss-of-function variants in DNAH5 are known to be pathogenic (PMID: 11788826, 16627867). This variant is not present in population databases (gnomAD no frequency). This variant has not been reported in the literature in individuals affected with DNAH5-related conditions. For these reasons, this variant has been classified as Pathogenic.

Literature cited by the submitters: PubMed 11788826; PubMed 16627867.

NM_001369.3(DNAH5):c.11923A>T (p.Lys3975Ter)

Gene: DNAH5 (dynein axonemal heavy chain 5; minus strand). Cytogenetic location: 5p15.2.
Variant type: single nucleotide variant.
Coding change: c.11923A>T on transcript NM_001369.3 (MANE Select); coding-DNA position 11923, A replaced by T.
Protein change: p.Lys3975Ter; replaces lysine 3975 with a stop codon.
Molecular consequence: nonsense.
Genome position (GRCh38, 1-based): chr5:13,727,617, T>A on the plus strand (A>T on the coding strand, the complement: DNAH5 is on the minus strand). VCF-style: chr5-13727617-T-A. GRCh37 (hg19) VCF-style: chr5-13727726-T-A.
Other names: short protein forms K3975*.
Identifiers: ClinVar variation 2707469 (VCV002707469.3), dbSNP rs2546542097, ClinGen allele CA359218320.